The following is an entry in ClinVar:

NM_001164508.2(NEB):c.20928G>T (p.Gly6976=)

Gene: NEB (nebulin; minus strand). Cytogenetic location: 2q23.3.
Variant type: single nucleotide variant.
Coding change: c.20928G>T on transcript NM_001164508.2 (MANE Select); coding-DNA position 20928, G replaced by T.
Protein change: p.Gly6976=; no amino-acid change (glycine 6976 retained).
Molecular consequence: synonymous variant.
Genome position (GRCh38, 1-based): chr2:151,538,209, C>A on the plus strand (G>T on the coding strand, the complement: NEB is on the minus strand). VCF-style: chr2-151538209-C-A. GRCh37 (hg19) VCF-style: chr2-152394723-C-A.
Other names: c.20928G>T, p.Gly6976= (NM_001164507.2, NM_001271208.2); c.15825G>T, p.Gly5275= (NM_004543.5).
Identifiers: ClinVar variation 2203158 (VCV002203158.6), dbSNP rs2552151162, ClinGen allele CA429231472.

ClinVar aggregate classification (germline): Conflicting classifications of pathogenicity. Review status: criteria provided, conflicting classifications (1 of 4 stars). 2 submissions from 2 submitters: Likely pathogenic (1); Uncertain significance (1). Last evaluated 2024-03-01.

Conditions:
Nemaline myopathy. Also called: Myopathies, Nemaline. Identifiers: Orphanet 607, MedGen C0206157, MONDO:0018958.
Nemaline myopathy 2 (NEM2). Also called: Nemaline myopathy 2, autosomal recessive. Identifiers: MedGen C1850569, MONDO:0009725, OMIM 256030.

Allele frequency attached by ClinVar (database versions not stated): gnomAD exomes below 0.00001.

Submissions (2):

Muscle and Diseases Team, Institut de Génétique et Biologie Moléculaire et Cellulaire
Classification: Likely pathogenic for Nemaline myopathy. Last evaluated: 2024-03-01. Review status: criteria provided, single submitter. Criteria: ACMG Guidelines, 2015. Collection method: research. Allele origin: maternal. Affected: yes. Observed: 1 variant allele.
Comment: PS3+PM2+PM3+PP4+BP4

Labcorp Genetics (formerly Invitae), Labcorp
Classification: Uncertain significance for Nemaline myopathy 2. Last evaluated: 2022-06-19. Review status: criteria provided, single submitter. Criteria: Invitae Variant Classification Sherloc (09022015). Collection method: clinical testing. Allele origin: germline.
Comment: In summary, the available evidence is currently insufficient to determine the role of this variant in disease. Therefore, it has been classified as a Variant of Uncertain Significance. Algorithms developed to predict the effect of sequence changes on RNA splicing suggest that this variant may create or strengthen a splice site. This variant has been observed in individual(s) with nemaline myopathy (PMID: 24725366). This variant is not present in population databases (gnomAD no frequency). This sequence change affects codon 6976 of the NEB mRNA. It is a 'silent' change, meaning that it does not change the encoded amino acid sequence of the NEB protein.

Literature cited by the submitters: DOI 10.1186/s13073-024-01353-0 (cited by Muscle and Diseases Team, Institut de Génétique et Biologie Moléculaire et Cellulaire); PubMed 25205138 (cited by Muscle and Diseases Team, Institut de Génétique et Biologie Moléculaire et Cellulaire); PubMed 24725366 (cited by Muscle and Diseases Team, Institut de Génétique et Biologie Moléculaire et Cellulaire and Labcorp Genetics (formerly Invitae), Labcorp).